The following is an entry in ClinVar:

ClinVar aggregate classification (germline): Uncertain significance. Review status: criteria provided, multiple submitters, no conflicts (2 of 4 stars). 4 submissions from 4 submitters: Uncertain significance (4). Last evaluated 2025-04-13.

Conditions:
Junctional epidermolysis bullosa. Identifiers: Orphanet 305, MedGen C0079301, MONDO:0017612.
Inborn genetic diseases. Identifiers: MedGen C0950123, MeSH D030342.

Allele frequency attached by ClinVar (database versions not stated): TOPMed 0.00008; ExAC 0.00010; gnomAD 0.00011; gnomAD exomes 0.00011 and 0.00012; ESP Exome Variant Server 0.00015.
gnomAD v4.1: 203 of 1,613,524 alleles (0.013%); highest among the groups gnomAD compares: Admixed American, 0.025%; no homozygotes.

Submissions (4):

Ambry Genetics
Classification: Uncertain significance for Inborn genetic diseases. Last evaluated: 2025-04-13. Review status: criteria provided, single submitter. Criteria: Ambry Variant Classification Scheme 2023. Collection method: clinical testing. Allele origin: germline.

Labcorp Genetics (formerly Invitae), Labcorp
Classification: Uncertain significance. Last evaluated: 2025-01-06. Review status: criteria provided, single submitter. Criteria: Invitae Variant Classification Sherloc (09022015). Collection method: clinical testing. Allele origin: germline.
Comment: This sequence change replaces phenylalanine, which is neutral and non-polar, with isoleucine, which is neutral and non-polar, at codon 506 of the LAMB3 protein (p.Phe506Ile). This variant is present in population databases (rs145548817, gnomAD 0.02%). This variant has not been reported in the literature in individuals affected with LAMB3-related conditions. ClinVar contains an entry for this variant (Variation ID: 877049). Invitae Evidence Modeling of protein sequence and biophysical properties (such as structural, functional, and spatial information, amino acid conservation, physicochemical variation, residue mobility, and thermodynamic stability) indicates that this missense variant is not expected to disrupt LAMB3 protein function with a negative predictive value of 80%. In summary, the available evidence is currently insufficient to determine the role of this variant in disease. Therefore, it has been classified as a Variant of Uncertain Significance.

Blueprint Genetics
Classification: Uncertain significance. Last evaluated: 2024-09-17. Review status: criteria provided, single submitter. Criteria: ACMG Guidelines, 2015. Collection method: clinical testing. Allele origin: germline.

Illumina Laboratory Services, Illumina
Classification: Uncertain significance for Junctional epidermolysis bullosa. Last evaluated: 2018-01-13. Review status: criteria provided, single submitter. Criteria: ICSL Variant Classification Criteria 13 December 2019. Collection method: clinical testing. Allele origin: germline.

NM_000228.3(LAMB3):c.1516T>A (p.Phe506Ile)

Gene: LAMB3 (laminin subunit beta 3; minus strand). Cytogenetic location: 1q32.2.
Variant type: single nucleotide variant.
Coding change: c.1516T>A on transcript NM_000228.3 (MANE Select); coding-DNA position 1516, T replaced by A.
Protein change: p.Phe506Ile; replaces phenylalanine 506 with isoleucine.
Molecular consequence: missense variant.
Genome position (GRCh38, 1-based): chr1:209,626,948, A>T on the plus strand (T>A on the coding strand, the complement: LAMB3 is on the minus strand). VCF-style: chr1-209626948-A-T. GRCh37 (hg19) VCF-style: chr1-209800293-A-T.
Other names: c.1516T>A, p.Phe506Ile (NM_001017402.2, NM_001127641.1); short protein forms F506I.
Identifiers: ClinVar variation 877049 (VCV000877049.8), dbSNP rs145548817, ClinGen allele CA1375557.
Genomic context (GRCh38, chr1:209,626,948, plus strand): 5'-CTCCATAGGTCCGGTCTGGACACTGGCGGATGGCTGCAGCGCTGCACATCAGGCCACCAA[A>T]GCCTTCCCGACAGGGGCACTGCCCTGTGAACTGCGTGGGGAGAGCACCGTCAGTGGACCC-3'
Protein context (NP_000219.2, residues 496-516): FTGQCPCREG[Phe506Ile]GGLMCSAAAI